The following is an entry in ClinVar:

NM_004415.4(DSP):c.8222T>A (p.Val2741Glu)

Gene: DSP (desmoplakin; plus strand). Cytogenetic location: 6p24.3.
Variant type: single nucleotide variant.
Coding change: c.8222T>A on transcript NM_004415.4 (MANE Select); coding-DNA position 8222, T replaced by A.
Protein change: p.Val2741Glu; replaces valine 2741 with glutamic acid.
Molecular consequence: missense variant.
Genome position (GRCh38, 1-based): chr6:7,585,484, T>A. VCF-style: chr6-7585484-T-A. GRCh37 (hg19) VCF-style: chr6-7585717-T-A.
Other names: c.6425T>A, p.Val2142Glu (NM_001008844.3); c.6893T>A, p.Val2298Glu (NM_001319034.2); short protein forms V2142E, V2298E, V2741E.
Identifiers: ClinVar variation 4787570 (VCV004787570.1).

ClinVar aggregate classification (germline): Uncertain significance (1 of 4 stars; one submission).

Conditions:
Arrhythmogenic right ventricular dysplasia 8 (ARVD8). Also called: Arrhythmogenic Right Ventricular Dysplasia/Cardiomyopathy 8; ARRHYTHMOGENIC RIGHT VENTRICULAR DYSPLASIA, FAMILIAL, 8; ARRHYTHMOGENIC RIGHT VENTRICULAR CARDIOMYOPATHY 8. Identifiers: MedGen C1843896, MONDO:0011831, OMIM 607450.
Arrhythmogenic cardiomyopathy with wooly hair and keratoderma. Also called: Arrhythmogenic cardiomyopathy with woolly hair and keratoderma; PALMOPLANTAR KERATODERMA WITH LEFT VENTRICULAR CARDIOMYOPATHY AND WOOLLY HAIR; Carvajal syndrome; Dilated cardiomyopathy with woolly hair and keratoderma. Identifiers: Orphanet 65282, MedGen C1854063, MONDO:0011581, OMIM 605676.

Submission:

Labcorp Genetics (formerly Invitae), Labcorp
Classification: Uncertain significance for Arrhythmogenic cardiomyopathy with wooly hair and keratoderma; Arrhythmogenic right ventricular dysplasia 8. Last evaluated: 2025-12-24. Review status: criteria provided, single submitter. Criteria: Invitae Variant Classification Sherloc (09022015). Collection method: clinical testing. Allele origin: germline.
Comment: This sequence change replaces valine, which is neutral and non-polar, with glutamic acid, which is acidic and polar, at codon 2741 of the DSP protein (p.Val2741Glu). This variant is not present in population databases (gnomAD no frequency). This variant has not been reported in the literature in individuals affected with DSP-related conditions. An algorithm developed to predict the effect of missense changes on protein structure and function (PolyPhen-2) suggests that this variant is likely to be tolerated. In summary, the available evidence is currently insufficient to determine the role of this variant in disease. Therefore, it has been classified as a Variant of Uncertain Significance.